The following is an entry in ClinVar:

NM_199420.4(POLQ):c.7066G>A (p.Ala2356Thr)

Gene: POLQ (DNA polymerase theta; minus strand). Cytogenetic location: 3q13.33.
Variant type: single nucleotide variant.
Coding change: c.7066G>A on transcript NM_199420.4 (MANE Select); coding-DNA position 7066, G replaced by A.
Protein change: p.Ala2356Thr; replaces alanine 2356 with threonine.
Molecular consequence: missense variant.
Genome position (GRCh38, 1-based): chr3:121,460,136, C>T on the plus strand (G>A on the coding strand, the complement: POLQ is on the minus strand). VCF-style: chr3-121460136-C-T. GRCh37 (hg19) VCF-style: chr3-121178983-C-T.
Other names: short protein forms A2356T.
Identifiers: ClinVar variation 1756971 (VCV001756971.2), dbSNP rs2546764742, ClinGen allele CA354107207.
Genomic context (GRCh38, chr3:121,460,136, plus strand): 5'-CCCCAACAGACTCTGGCTCAATCATCTTCCACTCTGCTGCAATGCTCCTGAAAACATCAG[C>T]TCCAGTGTTTAACACTTGAATGAGACGACGATCATGGGATAAATGAGCCAAGATCCTCAG-3'
Protein context (NP_955452.3, residues 2346-2366): RRLIQVLNTG[Ala2356Thr]DVFRSIAAEW

ClinVar aggregate classification (germline): Uncertain significance (1 of 4 stars; one submission).

Submission:

Ambry Genetics
Classification: Uncertain significance. Last evaluated: 2022-02-06. Review status: criteria provided, single submitter. Criteria: Ambry Variant Classification Scheme 2023. Collection method: clinical testing. Allele origin: germline.
Comment: The p.A2356T variant (also known as c.7066G>A), located in coding exon 25 of the POLQ gene, results from a G to A substitution at nucleotide position 7066. The alanine at codon 2356 is replaced by threonine, an amino acid with similar properties. This amino acid position is conserved. In addition, the in silico prediction for this alteration is inconclusive. Since supporting evidence is limited at this time, the clinical significance of this alteration remains unclear.